The following is an entry in ClinVar:

NM_152743.4(BRAT1):c.1579C>A (p.Leu527Met)

Gene: BRAT1 (BRCA1 associated ATM activator 1; minus strand). Cytogenetic location: 7p22.3.
Variant type: single nucleotide variant.
Coding change: c.1579C>A on transcript NM_152743.4 (MANE Select); coding-DNA position 1579, C replaced by A.
Protein change: p.Leu527Met; replaces leucine 527 with methionine.
Molecular consequence: missense variant. On other transcripts: non-coding transcript variant (1).
Genome position (GRCh38, 1-based): chr7:2,539,562, G>T on the plus strand (C>A on the coding strand, the complement: BRAT1 is on the minus strand). VCF-style: chr7-2539562-G-T. GRCh37 (hg19) VCF-style: chr7-2579196-G-T.
Other names: c.1579C>A, p.Leu527Met (NM_001350626.2); c.1054C>A, p.Leu352Met (NM_001350627.2); short protein forms L352M, L527M.
Identifiers: ClinVar variation 1386007 (VCV001386007.5), dbSNP rs151161353, ClinGen allele CA4127689.

ClinVar aggregate classification (germline): Uncertain significance (1 of 4 stars; one submission).

Conditions:
Neonatal-onset encephalopathy with rigidity and seizures. Also called: Lethal neonatal spasticity-epileptic encephalopathy syndrome. Identifiers: Orphanet 435845, MedGen C3281029, MONDO:0013784, OMIM 614498.

gnomAD v4.1: 3 of 1,570,212 alleles (0.00019%); highest among the groups gnomAD compares: Admixed American, 0.0055%; no homozygotes.

Submission:

Labcorp Genetics (formerly Invitae), Labcorp
Classification: Uncertain significance for Neonatal-onset encephalopathy with rigidity and seizures. Last evaluated: 2022-09-01. Review status: criteria provided, single submitter. Criteria: Invitae Variant Classification Sherloc (09022015). Collection method: clinical testing. Allele origin: germline.
Comment: This sequence change replaces leucine, which is neutral and non-polar, with methionine, which is neutral and non-polar, at codon 527 of the BRAT1 protein (p.Leu527Met). The frequency data for this variant in the population databases is considered unreliable, as metrics indicate poor data quality at this position in the gnomAD database. This variant has not been reported in the literature in individuals affected with BRAT1-related conditions. ClinVar contains an entry for this variant (Variation ID: 1386007). Algorithms developed to predict the effect of missense changes on protein structure and function output the following: SIFT: "Tolerated"; PolyPhen-2: "Possibly Damaging"; Align-GVGD: "Class C0". The methionine amino acid residue is found in multiple mammalian species, which suggests that this missense change does not adversely affect protein function. In summary, the available evidence is currently insufficient to determine the role of this variant in disease. Therefore, it has been classified as a Variant of Uncertain Significance.